The following is an entry in ClinVar:

ClinVar aggregate classification (germline): Uncertain significance (1 of 4 stars; one submission).

Conditions:
Duchenne muscular dystrophy (DMD). Also called: Duchenne Muscular Dystrophy (DMD); MUSCULAR DYSTROPHY, PSEUDOHYPERTROPHIC PROGRESSIVE, DUCHENNE TYPE. Identifiers: Orphanet 98896, MedGen C0013264, MONDO:0010679, OMIM 310200.

Submission:

Broad Center for Mendelian Genomics, Broad Institute of MIT and Harvard
Classification: Uncertain significance for Duchenne muscular dystrophy. Last evaluated: 2025-07-22. Review status: criteria provided, single submitter. Criteria: ACMG/ClinGen CNV Guidelines, 2019. Collection method: research. Allele origin: unknown. Inheritance: Sex-limited autosomal dominant. Affected: yes. Study: GREGoR Consortium.
Comment: Inheritance information is unavailable. The patient phenotype is nonspecific, but is consistent with cases described in the literature and/or published databases with overlapping variants. This intragenic variant is presumed to be in tandem and therefore predicted to cause a frameshift, which alters the protein’s amino acid sequence beginning at exon 60 and leads to a premature termination codon. This alteration is then predicted to lead to a truncated or absent protein. Heterozygous loss of function of the DMD gene is an established disease mechanism in X-linked Duchenne Muscular Dystrophy. In summary, while there is some suspicion for a pathogenic role, the clinical significance of this variant is uncertain. The ACMG/ClinGen evidence codes and points used in this curation are as follows: 1: 0 points, 2: 0.45 points, 3: 0 points, 4-5: 0.3 points; Total: 0.75 points; Riggs 2020 (PMID: 31690835).

Literature cited by the submitters: PubMed 33644936.

Single allele

Genes: DMD (dystrophin; minus strand), LOC121627963 (Sharpr-MPRA regulatory region 5644; plus strand), LOC130068086 (ATAC-STARR-seq lymphoblastoid silent region 20729; plus strand), LOC130068087 (ATAC-STARR-seq lymphoblastoid silent region 20730; plus strand), LOC130068088 (ATAC-STARR-seq lymphoblastoid active region 29515; plus strand) and 1 more. Cytogenetic location: Xp21.2.
Variant type: Duplication.
Identifiers: ClinVar variation 4070937 (VCV004070937.1).